The following is an entry in ClinVar:

ClinVar aggregate classification (germline): Uncertain significance. Review status: criteria provided, multiple submitters, no conflicts (2 of 4 stars). 3 submissions from 3 submitters: Uncertain significance (3). Last evaluated 2025-08-24.

Conditions:
Inborn genetic diseases. Identifiers: MedGen C0950123, MeSH D030342.

Allele frequency attached by ClinVar (database versions not stated): gnomAD exomes 0.00002 and 0.00005; gnomAD 0.00004; ExAC 0.00006; TOPMed 0.00006.
gnomAD v4.1: 32 of 1,613,972 alleles (0.002%); highest among the groups gnomAD compares: Middle Eastern, 0.033%; no homozygotes.

Submissions (3):

Labcorp Genetics (formerly Invitae), Labcorp
Classification: Uncertain significance. Last evaluated: 2025-08-24. Review status: criteria provided, single submitter. Criteria: Invitae Variant Classification Sherloc (09022015). Collection method: clinical testing. Allele origin: germline.
Comment: This sequence change replaces arginine, which is basic and polar, with histidine, which is basic and polar, at codon 1963 of the ABCA4 protein (p.Arg1963His). This variant is present in population databases (rs758431657, gnomAD 0.02%). This variant has not been reported in the literature in individuals affected with ABCA4-related conditions. ClinVar contains an entry for this variant (Variation ID: 1470554). Invitae Evidence Modeling of protein sequence and biophysical properties (such as structural, functional, and spatial information, amino acid conservation, physicochemical variation, residue mobility, and thermodynamic stability) indicates that this missense variant is expected to disrupt ABCA4 protein function with a positive predictive value of 80%. In summary, the available evidence is currently insufficient to determine the role of this variant in disease. Therefore, it has been classified as a Variant of Uncertain Significance.

Ambry Genetics
Classification: Uncertain significance for Inborn genetic diseases. Last evaluated: 2023-04-17. Review status: criteria provided, single submitter. Criteria: Ambry Variant Classification Scheme 2023. Collection method: clinical testing. Allele origin: germline.

Blueprint Genetics
Classification: Uncertain significance. Last evaluated: 2019-08-02. Review status: criteria provided, single submitter. Criteria: ACMG Guidelines, 2015. Collection method: clinical testing. Allele origin: germline.

NM_000350.3(ABCA4):c.5888G>A (p.Arg1963His)

Gene: ABCA4 (ATP binding cassette subfamily A member 4; minus strand). Cytogenetic location: 1p22.1.
Variant type: single nucleotide variant.
Coding change: c.5888G>A on transcript NM_000350.3 (MANE Select); coding-DNA position 5888, G replaced by A.
Protein change: p.Arg1963His; replaces arginine 1963 with histidine.
Molecular consequence: missense variant.
Genome position (GRCh38, 1-based): chr1:94,008,245, C>T on the plus strand (G>A on the coding strand, the complement: ABCA4 is on the minus strand). VCF-style: chr1-94008245-C-T. GRCh37 (hg19) VCF-style: chr1-94473801-C-T.
Other names: c.5666G>A, p.Arg1889His (NM_001425324.1); short protein forms R1963H, R1889H.
Identifiers: ClinVar variation 1470554 (VCV001470554.9), dbSNP rs758431657, ClinGen allele CA957091.